The following is an entry in ClinVar:

ClinVar aggregate classification (germline): Uncertain significance (1 of 4 stars; one submission).

Submission:

GeneDx
Classification: Uncertain significance. Last evaluated: 2024-03-05. Review status: criteria provided, single submitter. Criteria: GeneDx Variant Classification Process June 2021. Collection method: clinical testing. Allele origin: germline. Affected: yes.
Comment: Not observed at significant frequency in large population cohorts (gnomAD); In silico analysis supports that this missense variant has a deleterious effect on protein structure/function; Has not been previously published as pathogenic or benign to our knowledge

NM_001130438.3(SPTAN1):c.869T>G (p.Val290Gly)

Gene: SPTAN1 (spectrin alpha, non-erythrocytic 1; plus strand). Cytogenetic location: 9q34.11.
Variant type: single nucleotide variant.
Coding change: c.869T>G on transcript NM_001130438.3 (MANE Select); coding-DNA position 869, T replaced by G.
Protein change: p.Val290Gly; replaces valine 290 with glycine.
Molecular consequence: missense variant.
Genome position (GRCh38, 1-based): chr9:128,577,212, T>G. VCF-style: chr9-128577212-T-G. GRCh37 (hg19) VCF-style: chr9-131339491-T-G.
Other names: c.869T>G, p.Val290Gly (NM_001195532.2, NM_001363759.2, NM_001363765.2 and 5 more transcripts); c.905T>G, p.Val302Gly (NM_001375312.2, NM_001375318.1); short protein forms V290G, V302G.
Identifiers: ClinVar variation 3373576 (VCV003373576.1).